The following is an entry in ClinVar:

NM_000137.4(FAH):c.721A>T (p.Lys241Ter)

Gene: FAH (fumarylacetoacetate hydrolase; plus strand). Cytogenetic location: 15q25.1.
Variant type: single nucleotide variant.
Coding change: c.721A>T on transcript NM_000137.4 (MANE Select); coding-DNA position 721, A replaced by T.
Protein change: p.Lys241Ter; replaces lysine 241 with a stop codon.
Molecular consequence: nonsense.
Genome position (GRCh38, 1-based): chr15:80,173,028, A>T. VCF-style: chr15-80173028-A-T. GRCh37 (hg19) VCF-style: chr15-80465370-A-T.
Other names: c.721A>T, p.Lys241Ter (NM_001374377.1, NM_001374380.1); short protein forms K241*.
Identifiers: ClinVar variation 1071826 (VCV001071826.7), dbSNP rs2142101647, ClinGen allele CA393620663.
Genomic context (GRCh38, chr15:80,173,028, plus strand): 5'-GCCCTGATCAGCCTTTGTAAGTCCTGGCTGTGCCCTTCTTCTGCAGCACGAGACATTCAG[A>T]AGTGGGAGTATGTCCCTCTCGGGCCATTCCTTGGGAAGAGTTTTGGGACCACTGTCTCTC-3'

ClinVar aggregate classification (germline): Pathogenic (1 of 4 stars; one submission).

Conditions:
Tyrosinemia type I (TYRSN1). Also called: Tyrosinemia type 1; Fumarylacetoacetase deficiency; Deficiency of fumarylacetoacetase; HEPATORENAL TYROSINEMIA; FAH DEFICIENCY. Identifiers: Orphanet 882, MedGen C0268490, MONDO:0010161, OMIM 276700. Disease mechanism: loss of function.

Submission:

Labcorp Genetics (formerly Invitae), Labcorp
Classification: Pathogenic for Tyrosinemia type I. Last evaluated: 2022-09-23. Review status: criteria provided, single submitter. Criteria: Invitae Variant Classification Sherloc (09022015). Collection method: clinical testing. Allele origin: germline.
Comment: For these reasons, this variant has been classified as Pathogenic. ClinVar contains an entry for this variant (Variation ID: 1071826). This variant has not been reported in the literature in individuals affected with FAH-related conditions. This variant is not present in population databases (gnomAD no frequency). This sequence change creates a premature translational stop signal (p.Lys241*) in the FAH gene. It is expected to result in an absent or disrupted protein product. Loss-of-function variants in FAH are known to be pathogenic (PMID: 9101289, 9633815).

Literature cited by the submitters: PubMed 9101289; PubMed 9633815.